The following is an entry in ClinVar:

ClinVar aggregate classification (germline): Pathogenic/Likely pathogenic. Review status: criteria provided, multiple submitters, no conflicts (2 of 4 stars). 2 submissions from 2 submitters: Pathogenic (1); Likely pathogenic (1). Last evaluated 2025-07-29.

Conditions:
Intellectual developmental disorder with gastrointestinal difficulties and high pain threshold (JDVS). Also called: JANSEN-DE VRIES SYNDROME. Identifiers: Orphanet 653767, MedGen C4479517, MONDO:0044318, OMIM 617450.

Submissions (2):

Variantyx, Inc.
Classification: Likely pathogenic for Intellectual developmental disorder with gastrointestinal difficulties and high pain threshold. Last evaluated: 2025-07-29. Review status: criteria provided, single submitter. Criteria: Variantyx Assertion Criteria 2022. Collection method: clinical testing. Allele origin: de novo. Inheritance: Autosomal dominant inheritance. Affected: yes.
Comment: This is a frameshift variant in the PPM1D gene (OMIM: 605100). Pathogenic variants in this gene have been associated with autosomal dominant Jansen-de Vries syndrome. This variant likely occurred de novo in individuals reported in the published literature; however, the possibility of parental germline mosaicism cannot be excluded (PMID: 37183572) (PS2). This variant introduces a premature termination codon in exon 5 out of 6 and it is not expected to result in nonsense-mediated mRNA decay and a truncated protein may be produced (PM4). This variant has a 0.0003% maximum allele frequency in non-founder control populations (PM2). Based on the current evidence, this variant is classified as likely pathogenic for autosomal dominant Jansen-de Vries syndrome.

GeneDx
Classification: Pathogenic. Last evaluated: 2024-12-18. Review status: criteria provided, single submitter. Criteria: GeneDx Variant Classification Process June 2021. Collection method: clinical testing. Allele origin: germline.
Comment: Frameshift variant predicted to result in abnormal protein length as the last 205 amino acids are replaced with 7 different amino acids, and other similar variants have been reported in HGMD; Not observed at significant frequency in large population cohorts (gnomAD); This variant is associated with the following publications: (PMID: 37183572)

Literature cited by the submitters: PubMed 28343630 (cited by Variantyx, Inc.); PubMed 37183572 (cited by Variantyx, Inc.).

NM_003620.4(PPM1D):c.1200del (p.Tyr401fs)

Gene: PPM1D (protein phosphatase, Mg2+/Mn2+ dependent 1D; plus strand). Cytogenetic location: 17q23.2.
Variant type: Deletion.
Coding change: c.1200del on transcript NM_003620.4 (MANE Select); coding-DNA position 1200, one base deleted (C; older notation c.1200delC).
Protein change: p.Tyr401fs; shifts the reading frame from tyrosine 401.
Molecular consequence: frameshift variant.
Genome position (GRCh38, 1-based): chr17:60,656,781, C deleted; the last of 2 consecutive C bases (chr17:60,656,780-60,656,781); deleting either gives the same sequence. VCF-style (leftmost placement, unchanged base first): chr17-60656779-TC-T. GRCh37 (hg19) VCF-style: chr17-58734140-TC-T.
Other names: c.1200delC, p.Tyr401Ilefs (NM_003620.3); short protein forms Y401fs.
Identifiers: ClinVar variation 2502142 (VCV002502142.3), dbSNP rs2544465657, ClinGen allele CA2580613181.
Genomic context (GRCh38, chr17:60,656,779, plus strand): 5'-GACAATCAGGGAAACTTTACCAATGAAGATGAGTTATACCTGAACCTGACTGACAGCCCT[TC>T]CTATAATAGTCAAGAAACCTGTGTGATGACTCCTTCCCCATGTTCTACACCACCAGTCAA-3'